The following is an entry in ClinVar:

ClinVar aggregate classification (germline): Uncertain significance (1 of 4 stars; one submission).

Conditions:
Cardiovascular phenotype. Identifiers: MedGen CN230736.

Submission:

Ambry Genetics
Classification: Uncertain significance for Cardiovascular phenotype. Last evaluated: 2026-03-09. Review status: criteria provided, single submitter. Criteria: Ambry Variant Classification Scheme 2023. Collection method: clinical testing. Allele origin: germline.
Comment: The p.A181S variant (also known as c.541G>T), located in coding exon 4 of the GPIHBP1 gene, results from a G to T substitution at nucleotide position 541. The alanine at codon 181 is replaced by serine, an amino acid with similar properties. This amino acid position is conserved. In addition, this alteration is predicted to be tolerated by in silico analysis. Based on the available evidence, the clinical significance of this variant remains unclear.

NM_178172.6(GPIHBP1):c.541G>T (p.Ala181Ser)

Gene: GPIHBP1 (glycosylphosphatidylinositol anchored high density lipoprotein binding protein 1; plus strand). Cytogenetic location: 8q24.3.
Variant type: single nucleotide variant.
Coding change: c.541G>T on transcript NM_178172.6 (MANE Select); coding-DNA position 541, G replaced by T.
Protein change: p.Ala181Ser; replaces alanine 181 with serine.
Molecular consequence: missense variant. On other transcripts: intron variant (1).
Genome position (GRCh38, 1-based): chr8:143,215,504, G>T. VCF-style: chr8-143215504-G-T. GRCh37 (hg19) VCF-style: chr8-144297379-G-T.
Other names: c.375+166G>T (NM_001301772.2); short protein forms A181S.
Identifiers: ClinVar variation 4827377 (VCV004827377.1).